The following is an entry in ClinVar:

NM_002334.4(LRP4):c.3473G>A (p.Arg1158Gln)

Gene: LRP4 (LDL receptor related protein 4; minus strand). Cytogenetic location: 11p11.2.
Variant type: single nucleotide variant.
Coding change: c.3473G>A on transcript NM_002334.4 (MANE Select); coding-DNA position 3473, G replaced by A.
Protein change: p.Arg1158Gln; replaces arginine 1158 with glutamine.
Molecular consequence: missense variant.
Genome position (GRCh38, 1-based): chr11:46,876,529, C>T on the plus strand (G>A on the coding strand, the complement: LRP4 is on the minus strand). VCF-style: chr11-46876529-C-T. GRCh37 (hg19) VCF-style: chr11-46898080-C-T.
Other names: short protein forms R1158Q.
Identifiers: ClinVar variation 1017329 (VCV001017329.7), dbSNP rs150306458, ClinGen allele CA5969587.

ClinVar aggregate classification (germline): Uncertain significance. Review status: criteria provided, multiple submitters, no conflicts (2 of 4 stars). 2 submissions from 2 submitters: Uncertain significance (2). Last evaluated 2022-03-18.

Conditions:
Cenani-Lenz syndactyly syndrome. Also called: CENANI SYNDACTYLISM; SYNDACTYLY, TYPE VII. Identifiers: Orphanet 3258, MedGen C1859309, MONDO:0008931, OMIM 212780.
Congenital myasthenic syndrome 17. Identifiers: Orphanet 590, MedGen C4225377, MONDO:0014578, OMIM 616304.
Sclerosteosis 2 (SOST2). Identifiers: Orphanet 3152, MedGen C3280402, MONDO:0013679, OMIM 614305.

Allele frequency attached by ClinVar (database versions not stated): ExAC 0.00002; gnomAD exomes 0.00003 and 0.00001; gnomAD 0.00001; TOPMed 0.00003; ESP Exome Variant Server 0.00015.
gnomAD v4.1: 23 of 1,614,088 alleles (0.0014%); highest among the groups gnomAD compares: Middle Eastern, 0.016%; no homozygotes.

Submissions (2):

Labcorp Genetics (formerly Invitae), Labcorp
Classification: Uncertain significance for Cenani-Lenz syndactyly syndrome; Sclerosteosis 2; Congenital myasthenic syndrome 17. Last evaluated: 2022-03-18. Review status: criteria provided, single submitter. Criteria: Invitae Variant Classification Sherloc (09022015). Collection method: clinical testing. Allele origin: germline.
Comment: This sequence change replaces arginine, which is basic and polar, with glutamine, which is neutral and polar, at codon 1158 of the LRP4 protein (p.Arg1158Gln). This variant is present in population databases (rs150306458, gnomAD 0.009%). This variant has not been reported in the literature in individuals affected with LRP4-related conditions. ClinVar contains an entry for this variant (Variation ID: 1017329). Algorithms developed to predict the effect of missense changes on protein structure and function are either unavailable or do not agree on the potential impact of this missense change (SIFT: "Deleterious"; PolyPhen-2: "Benign"; Align-GVGD: "Class C35"). Algorithms developed to predict the effect of sequence changes on RNA splicing suggest that this variant may create or strengthen a splice site. In summary, the available evidence is currently insufficient to determine the role of this variant in disease. Therefore, it has been classified as a Variant of Uncertain Significance.

Fulgent Genetics
Classification: Uncertain significance for Cenani-Lenz syndactyly syndrome; Sclerosteosis 2; Congenital myasthenic syndrome 17. Last evaluated: 2021-09-28. Review status: criteria provided, single submitter. Criteria: ACMG Guidelines, 2015. Collection method: clinical testing. Allele origin: unknown.